The following is an entry in ClinVar:

ClinVar aggregate classification (germline): Uncertain significance. Review status: criteria provided, multiple submitters, no conflicts (2 of 4 stars). 3 submissions from 3 submitters: Uncertain significance (3). Last evaluated 2025-08-04.

Conditions:
Inborn genetic diseases. Identifiers: MedGen C0950123, MeSH D030342.

gnomAD v4.1: 9 of 1,613,852 alleles (0.00056%); highest among the groups gnomAD compares: Admixed American, 0.0017%; no homozygotes.

Submissions (3):

Ambry Genetics
Classification: Uncertain significance for Inborn genetic diseases. Last evaluated: 2025-08-04. Review status: criteria provided, single submitter. Criteria: Ambry Variant Classification Scheme 2023. Collection method: clinical testing. Allele origin: germline.

Labcorp Genetics (formerly Invitae), Labcorp
Classification: Uncertain significance. Last evaluated: 2023-10-03. Review status: criteria provided, single submitter. Criteria: Invitae Variant Classification Sherloc (09022015). Collection method: clinical testing. Allele origin: germline.
Comment: This sequence change replaces valine, which is neutral and non-polar, with leucine, which is neutral and non-polar, at codon 366 of the NARS2 protein (p.Val366Leu). This variant is present in population databases (no rsID available, gnomAD no frequency). This variant has not been reported in the literature in individuals affected with NARS2-related conditions. ClinVar contains an entry for this variant (Variation ID: 2182060). Advanced modeling of protein sequence and biophysical properties (such as structural, functional, and spatial information, amino acid conservation, physicochemical variation, residue mobility, and thermodynamic stability) performed at Invitae indicates that this missense variant is not expected to disrupt NARS2 protein function. In summary, the available evidence is currently insufficient to determine the role of this variant in disease. Therefore, it has been classified as a Variant of Uncertain Significance.

GeneDx
Classification: Uncertain significance. Last evaluated: 2023-02-27. Review status: criteria provided, single submitter. Criteria: GeneDx Variant Classification Process June 2021. Collection method: clinical testing. Allele origin: germline. Affected: yes.
Comment: Not observed at significant frequency in large population cohorts (gnomAD); In silico analysis supports that this missense variant has a deleterious effect on protein structure/function; Has not been previously published as pathogenic or benign to our knowledge

NM_024678.6(NARS2):c.1096G>C (p.Val366Leu)

Gene: NARS2 (asparaginyl-tRNA synthetase 2, mitochondrial; minus strand). Cytogenetic location: 11q14.1.
Variant type: single nucleotide variant.
Coding change: c.1096G>C on transcript NM_024678.6 (MANE Select); coding-DNA position 1096, G replaced by C.
Protein change: p.Val366Leu; replaces valine 366 with leucine.
Molecular consequence: missense variant.
Genome position (GRCh38, 1-based): chr11:78,465,944, C>G on the plus strand (G>C on the coding strand, the complement: NARS2 is on the minus strand). VCF-style: chr11-78465944-C-G. GRCh37 (hg19) VCF-style: chr11-78176990-C-G.
Other names: c.1096G>C (NM_024678.5); c.415G>C, p.Val139Leu (NM_001243251.2); short protein forms V139L, V366L.
Identifiers: ClinVar variation 2182060 (VCV002182060.5), dbSNP rs765813020, ClinGen allele CA225100220.
Genomic context (GRCh38, chr11:78,465,944, plus strand): 5'-GAGGGCCATCTTCATTATCCCTCATGTAGAAAGGCTTGAGTGTTAATGGATAATTAATAA[C>G]GAAGACAGGTATGTTGCCACAGTGCTTCACCAGGTACTTTTCATGTTCAGTCCGTAGGTC-3'
Protein context (NP_078954.4, residues 356-376): VKHCGNIPVF[Val366Leu]INYPLTLKPF